The following is an entry in ClinVar:

ClinVar aggregate classification (germline): Uncertain significance (1 of 4 stars; one submission).

Allele frequency attached by ClinVar (database versions not stated): gnomAD exomes below 0.00001.
gnomAD v4.1: 1 of 1,613,884 alleles (0.000062%); highest among the groups gnomAD compares: African/African-American, 0.0013%; no homozygotes.

Submission:

Labcorp Genetics (formerly Invitae), Labcorp
Classification: Uncertain significance. Last evaluated: 2022-07-26. Review status: criteria provided, single submitter. Criteria: Invitae Variant Classification Sherloc (09022015). Collection method: clinical testing. Allele origin: germline.
Comment: This sequence change replaces threonine, which is neutral and polar, with alanine, which is neutral and non-polar, at codon 4694 of the FAT4 protein (p.Thr4694Ala). This variant is present in population databases (no rsID available, gnomAD 0.007%). This variant has not been reported in the literature in individuals affected with FAT4-related conditions. Advanced modeling of protein sequence and biophysical properties (such as structural, functional, and spatial information, amino acid conservation, physicochemical variation, residue mobility, and thermodynamic stability) performed at Invitae indicates that this missense variant is not expected to disrupt FAT4 protein function. In summary, the available evidence is currently insufficient to determine the role of this variant in disease. Therefore, it has been classified as a Variant of Uncertain Significance.

NM_001291303.3(FAT4):c.14086A>G (p.Thr4696Ala)

Gene: FAT4 (FAT atypical cadherin 4; plus strand). Cytogenetic location: 4q28.1.
Variant type: single nucleotide variant.
Coding change: c.14086A>G on transcript NM_001291303.3 (MANE Select); coding-DNA position 14086, A replaced by G.
Protein change: p.Thr4696Ala; replaces threonine 4696 with alanine.
Molecular consequence: missense variant.
Genome position (GRCh38, 1-based): chr4:125,490,902, A>G. VCF-style: chr4-125490902-A-G. GRCh37 (hg19) VCF-style: chr4-126412057-A-G.
Other names: c.14083A>G, p.Thr4695Ala (NM_001291285.3); c.14080A>G, p.Thr4694Ala (NM_024582.6); short protein forms T4695A, T4694A, T4696A.
Identifiers: ClinVar variation 2033883 (VCV002033883.4), dbSNP rs1316142790, ClinGen allele CA358140747.